The following is an entry in ClinVar:

ClinVar aggregate classification (germline): Likely pathogenic. Review status: criteria provided, multiple submitters, no conflicts (2 of 4 stars). 2 submissions from 2 submitters: Likely pathogenic (2). Last evaluated 2025-04-24.

Conditions:
3-methylcrotonyl-CoA carboxylase 2 deficiency. Also called: METHYLCROTONYLGLYCINURIA, TYPE II; 3 alpha methylcrotonyl-CoA carboxylase 2 deficiency; 3 alpha methylcrotonylglycinuria 2; MCC 2 deficiency; Methylcrotonylglycinuria type 2. Identifiers: Orphanet 6, MedGen C1859499, MONDO:0008862, OMIM 210210.

Submissions (2):

Natera, Inc.
Classification: Likely pathogenic for 3-methylcrotonyl-CoA carboxylase 2 deficiency. Last evaluated: 2025-04-24. Review status: criteria provided, single submitter. Criteria: Natera Variant Classification Schema (03/2026). Collection method: clinical testing. Allele origin: germline.
Comment: The c.281+2T>C variant in MCCC2 is a canonical splice donor site variant predicted to affect pre-mRNA splicing, which may result in an abnormal transcript and altered protein product. This variant is expected to result in nonsense mediated decay, truncation, or a dysfunctional protein product. This variant is rare in the general population with a frequency below the threshold expected for the associated phenotype(s). Given the available evidence, this variant is classified as Likely Pathogenic.

Baylor Genetics
Classification: Likely pathogenic for 3-methylcrotonyl-CoA carboxylase 2 deficiency. Last evaluated: 2023-07-17. Review status: criteria provided, single submitter. Criteria: ACMG Guidelines, 2015. Collection method: clinical testing. Allele origin: unknown.

NM_022132.5(MCCC2):c.281+2T>C

Gene: MCCC2 (methylcrotonyl-CoA carboxylase subunit 2; plus strand). Cytogenetic location: 5q13.2.
Variant type: single nucleotide variant.
Coding change: c.281+2T>C on transcript NM_022132.5 (MANE Select); the canonical splice donor site of the intron after coding-DNA position 281, T replaced by C.
Molecular consequence: splice donor variant.
Genome position (GRCh38, 1-based): chr5:71,596,366, T>C. VCF-style: chr5-71596366-T-C. GRCh37 (hg19) VCF-style: chr5-70892193-T-C.
Other names: c.281+2T>C (NM_001363147.1, NM_022132.4).
Identifiers: ClinVar variation 2676484 (VCV002676484.3), dbSNP rs2530712392, ClinGen allele CA360006473.